The following is an entry in ClinVar:

NM_203288.2(RP9):c.380A>G (p.Asn127Ser)

Gene: RP9 (RP9 pre-mRNA splicing factor; minus strand). Cytogenetic location: 7p14.3.
Variant type: single nucleotide variant.
Coding change: c.380A>G on transcript NM_203288.2 (MANE Select); coding-DNA position 380, A replaced by G.
Protein change: p.Asn127Ser; replaces asparagine 127 with serine.
Molecular consequence: missense variant.
Genome position (GRCh38, 1-based): chr7:33,097,296, T>C on the plus strand (A>G on the coding strand, the complement: RP9 is on the minus strand). VCF-style: chr7-33097296-T-C. GRCh37 (hg19) VCF-style: chr7-33136908-T-C.
Other names: short protein forms N127S.
Identifiers: ClinVar variation 2089036 (VCV002089036.4), dbSNP rs2534911074, ClinGen allele CA367182015.

ClinVar aggregate classification (germline): Uncertain significance (1 of 4 stars; one submission).

Allele frequency attached by ClinVar (database versions not stated): gnomAD exomes below 0.00001.
gnomAD v4.1: 1 of 1,613,886 alleles (0.000062%); highest among the groups gnomAD compares: African/African-American, 0.0013%; no homozygotes.

Submission:

Labcorp Genetics (formerly Invitae), Labcorp
Classification: Uncertain significance. Last evaluated: 2022-11-01. Review status: criteria provided, single submitter. Criteria: Invitae Variant Classification Sherloc (09022015). Collection method: clinical testing. Allele origin: germline.
Comment: This sequence change replaces asparagine, which is neutral and polar, with serine, which is neutral and polar, at codon 127 of the RP9 protein (p.Asn127Ser). This variant is not present in population databases (gnomAD no frequency). This missense change has been observed in individual(s) with retinitis pigmentosa (PMID: 33946315). Algorithms developed to predict the effect of missense changes on protein structure and function are either unavailable or do not agree on the potential impact of this missense change (SIFT: "Tolerated"; PolyPhen-2: "Possibly Damaging"; Align-GVGD: "Class C0"). In summary, the available evidence is currently insufficient to determine the role of this variant in disease. Therefore, it has been classified as a Variant of Uncertain Significance.

Literature cited by the submitters: PubMed 33946315.